The following is an entry in ClinVar:

ClinVar aggregate classification (germline): Likely pathogenic. Review status: criteria provided, multiple submitters, no conflicts (2 of 4 stars). 3 submissions from 3 submitters: Likely pathogenic (3). Last evaluated 2016-04-05.

Conditions:
Cardiovascular phenotype. Identifiers: MedGen CN230736.

Submissions (3):

Ambry Genetics
Classification: Likely pathogenic for Cardiovascular phenotype. Last evaluated: 2016-04-05. Review status: criteria provided, single submitter. Criteria: Ambry Variant Classification Scheme 2023. Collection method: clinical testing. Allele origin: germline.
Comment: The c.3782_3792del11insCCTG variant, located in coding exon 33 of the MYBPC3 gene, results from the deletion of 11 nucleotides and insertion of 4 nucleotides causing a translational frameshift with a predicted alternate stop codon (p.E1261Afs*68). This variant results in a frameshift which replaces the last 15 amino acids with 68 aberrant amino acids at the 3' terminus of MYBPC3, elongating the protein. Per ACMG guidelines this variant could be interpreted as a disease-causing mutation (ACMG Recommendations for Standards for Interpretation and Reporting of Sequence Variations. Revision 2007. Genet Med 2008;10:294); however this deletion, insertion and subsequent frameshift occur near the 3' terminus of MYBPC3 and result in the elongation of the protein by 53 amino acids. The exact functional impact of these inserted amino acids is unknown at this time. This variant was not reported in population based cohorts in the following databases: Database of Single Nucleotide Polymorphisms (dbSNP), NHLBI Exome Sequencing Project (ESP), and 1000 Genomes Project. In the ESP, this variant was not observed in 6168 samples (12336 alleles) with coverage at this position. Based on the majority of available evidence to date, and since frameshifts are typically deleterious in nature, this alteration is likely to be pathogenic (ACMG Standards and guidelines for the interpretation of sequence variants. Genet Med. 2015;17(5):405-24).

GeneDx
Classification: Likely pathogenic. Last evaluated: 2016-03-08. Review status: criteria provided, single submitter. Criteria: GeneDx Variant Classification (06012015). Collection method: clinical testing. Allele origin: germline. Affected: yes.
Comment: A c.3782_3792del11insCCTG likely pathogenic variant was identified in the MYBPC3 gene. Although the c.3782_3792del11insCCTG variant has not been reported to our knowledge, this variant causes a shift in reading frame starting at codon Glutamic acid 1261, changing it to an Alanine, and creating a premature stop codon at position 68 of the new reading frame, denoted p.Glu1261AlafsX68. This variant, occurring in an immunoglobulin-like C2-type domain, replaces the last 14 amino acids with 67 new amino acids, likely disrupting this domain. Other frameshift variants in the MYBPC3 gene resulting in extended protein length or missense/nonsense changes occurring within the last 14 amino acid have been reported in the Human Gene Mutation Database in association with cardiomyopathy (Stenson et al., 2014). Furthermore, the c.3782_3792del11insCCTG variant was not observed in approximately 6,200 individuals of European and African American ancestry in the NHLBI Exome Sequencing Project, indicating it is not a common benign variant in these populations.Therefore, this variant is likely pathogenic.

Stanford Center for Inherited Cardiovascular Disease, Stanford University
Classification: Likely pathogenic. Last evaluated: 2015-11-13. Review status: criteria provided, single submitter. Criteria: ACMG Guidelines, 2015. Collection method: provider interpretation. Allele origin: germline.

NM_000256.3(MYBPC3):c.3782_3792delinsCCTG (p.Glu1261fs)

Gene: MYBPC3 (myosin binding protein C3; minus strand). Cytogenetic location: 11p11.2.
Variant type: Indel.
Coding change: c.3782_3792delinsCCTG on transcript NM_000256.3 (MANE Select); coding-DNA positions 3782 to 3792, AGGCACGGTGT replaced by CCTG.
Protein change: p.Glu1261fs; shifts the reading frame from glutamic acid 1261.
Molecular consequence: frameshift variant.
Genome position (GRCh38, 1-based): chr11:47,332,094-47,332,104, ACACCGTGCCT replaced by CAGG on the plus strand (AGGCACGGTGT replaced by CCTG on the coding strand, the reverse complement: MYBPC3 is on the minus strand). VCF-style: chr11-47332094-ACACCGTGCCT-CAGG. GRCh37 (hg19) VCF-style: chr11-47353645-ACACCGTGCCT-CAGG.
Other names: c.3782_3792delAGGCACGGTGTinsCCTG (NM_000256.3); short protein forms E1261fs.
Identifiers: ClinVar variation 427010 (VCV000427010.5), dbSNP rs1085307897, ClinGen allele CA645294065.